The following is an entry in ClinVar:

NM_170606.3(KMT2C):c.6774_6775del (p.Pro2259fs)

Gene: KMT2C (lysine methyltransferase 2C; minus strand). Cytogenetic location: 7q36.1.
Variant type: Deletion.
Coding change: c.6774_6775del on transcript NM_170606.3 (MANE Select); coding-DNA positions 6774 to 6775, 2 bases deleted (AC; older notation c.6774_6775delAC).
Protein change: p.Pro2259fs; shifts the reading frame from proline 2259.
Molecular consequence: frameshift variant.
Genome position (GRCh38, 1-based): chr7:152,181,085-152,181,086, GT deleted on the plus strand (AC on the coding strand, the reverse complement: KMT2C is on the minus strand). VCF-style (leftmost placement, unchanged base first): chr7-152181084-GGT-G. GRCh37 (hg19) VCF-style: chr7-151878169-GGT-G.
Other names: short protein forms P2259fs.
Identifiers: ClinVar variation 524016 (VCV000524016.2), dbSNP rs1554501612, ClinGen allele CA658797066.
Genomic context (GRCh38, chr7:152,181,084, plus strand): 5'-GGGGGCCTAGGTGTCTGGGAACATGTATCAGGTGGCCTTACCAACGGGCCAGGTAAAGCT[GGT>G]CCTCGGTTTTGTGCTGCTTGCAGGAAAGGATCCTGATTTGGCATGAGGACTGGTCTTGTC-3'

ClinVar aggregate classification (germline): Likely pathogenic (1 of 4 stars; one submission).

Submission:

GeneDx
Classification: Likely pathogenic. Last evaluated: 2018-04-04. Review status: criteria provided, single submitter. Criteria: GeneDx Variant Classification (06012015). Collection method: clinical testing. Allele origin: germline. Affected: yes.
Comment: The c.6774_6775delAC variant in the KMT2C gene has not been reported previously as a pathogenic variant nor as a benign variant, to our knowledge. The c.6774_6775delAC variant causes a frameshift starting with codon Proline 2259, changes this amino acid to a Serine residue, and creates a premature Stop codon at position (codon #) of the new reading frame, denoted p.Pro2259SerfsX11. This variant is predicted to cause loss of normal protein function either through protein truncation or nonsense-mediated mRNA decay. The c.6774_6775delAC variant is not observed in large population cohorts (Lek et al., 2016). We interpret c.6774_6775delAC as a likely pathogenic variant.